The following is an entry in ClinVar:

NM_000123.4(ERCC5):c.1499G>A (p.Arg500Gln)

Genes: BIVM-ERCC5 (BIVM-ERCC5 readthrough; plus strand), ERCC5 (ERCC excision repair 5, endonuclease; plus strand). Cytogenetic location: 13q33.1.
Variant type: single nucleotide variant.
Coding change: c.1499G>A on transcript NM_000123.4 (MANE Select); coding-DNA position 1499, G replaced by A.
Protein change: p.Arg500Gln; replaces arginine 500 with glutamine.
Molecular consequence: missense variant.
Genome position (GRCh38, 1-based): chr13:102,862,648, G>A. VCF-style: chr13-102862648-G-A. GRCh37 (hg19) VCF-style: chr13-103514998-G-A.
Other names: c.2861G>A, p.Arg954Gln (NM_001204425.2); short protein forms R500Q, R954Q.
Identifiers: ClinVar variation 1692176 (VCV001692176.12), dbSNP rs142081128, ClinGen allele CA7041422.

ClinVar aggregate classification (germline): Benign/Likely benign. Review status: criteria provided, multiple submitters, no conflicts (2 of 4 stars). 4 submissions from 4 submitters: Benign (1); Likely benign (2). 1 of the submissions does not count toward it. Last evaluated 2026-01-25.

Conditions:
Hereditary cancer-predisposing syndrome. Also called: Neoplastic Syndromes, Hereditary; Hereditary neoplastic syndrome; Tumor predisposition; Hereditary Cancer Syndrome. Identifiers: Orphanet 140162, MedGen C0027672, MeSH D009386, MONDO:0015356.
ERCC5-related disorder. Also called: ERCC5-related condition.

Allele frequency attached by ClinVar (database versions not stated): gnomAD 0.00003; TOPMed 0.00005; ESP Exome Variant Server 0.00008; 1000 Genomes Project 0.00020; gnomAD exomes 0.00023; ExAC 0.00027; 1000 Genomes Project 30x 0.00031.
gnomAD v4.1: 172 of 1,614,160 alleles (0.011%); highest among the groups gnomAD compares: South Asian, 0.14%; 5 homozygotes.

Submissions (4):

Labcorp Genetics (formerly Invitae), Labcorp
Classification: Benign. Last evaluated: 2026-01-25. Review status: criteria provided, single submitter. Criteria: Invitae Variant Classification Sherloc (09022015). Collection method: clinical testing. Allele origin: germline.

CeGaT Center for Human Genetics Tuebingen
Classification: Likely benign. Last evaluated: 2025-07-01. Review status: criteria provided, single submitter. Criteria: CeGaT Center For Human Genetics Tuebingen Variant Classification Criteria Version 2. Collection method: clinical testing. Allele origin: germline. Affected: yes. Observed: 1 variant allele.
Comment: ERCC5: BP4

Sema4
Classification: Likely benign for Hereditary cancer-predisposing syndrome. Last evaluated: 2021-08-18. Review status: criteria provided, single submitter. Criteria: Sema4 Curation Guidelines. Collection method: curation. Allele origin: germline.

PreventionGenetics, part of Exact Sciences
Classification: Likely benign for ERCC5-related condition. Last evaluated: 2023-03-23. Review status: no assertion criteria provided. Collection method: clinical testing. Allele origin: germline. Not counted in ClinVar's aggregate classification.
Comment: This variant is classified as likely benign based on ACMG/AMP sequence variant interpretation guidelines (Richards et al. 2015 PMID: 25741868, with internal and published modifications).